The following is an entry in ClinVar:

ClinVar aggregate classification (germline): Uncertain significance (1 of 4 stars; one submission).

Conditions:
Dyskeratosis congenita. Identifiers: Orphanet 1775, MedGen C0265965, MONDO:0015780.

Submission:

Labcorp Genetics (formerly Invitae), Labcorp
Classification: Uncertain significance for Dyskeratosis congenita. Last evaluated: 2023-06-07. Review status: criteria provided, single submitter. Criteria: Invitae Variant Classification Sherloc (09022015). Collection method: clinical testing. Allele origin: germline.
Comment: This sequence change replaces glutamine, which is neutral and polar, with histidine, which is basic and polar, at codon 685 of the CTC1 protein (p.Gln685His). This variant is not present in population databases (gnomAD no frequency). This variant has not been reported in the literature in individuals affected with CTC1-related conditions. Advanced modeling of protein sequence and biophysical properties (such as structural, functional, and spatial information, amino acid conservation, physicochemical variation, residue mobility, and thermodynamic stability) performed at Invitae indicates that this missense variant is not expected to disrupt CTC1 protein function. In summary, the available evidence is currently insufficient to determine the role of this variant in disease. Therefore, it has been classified as a Variant of Uncertain Significance.

NM_025099.6(CTC1):c.2055G>C (p.Gln685His)

Gene: CTC1 (CST telomere replication complex component 1; minus strand). Cytogenetic location: 17p13.1.
Variant type: single nucleotide variant.
Coding change: c.2055G>C on transcript NM_025099.6 (MANE Select); coding-DNA position 2055, G replaced by C.
Protein change: p.Gln685His; replaces glutamine 685 with histidine.
Molecular consequence: missense variant. On other transcripts: non-coding transcript variant (1).
Genome position (GRCh38, 1-based): chr17:8,232,366, C>G on the plus strand (G>C on the coding strand, the complement: CTC1 is on the minus strand). VCF-style: chr17-8232366-C-G. GRCh37 (hg19) VCF-style: chr17-8135684-C-G.
Other names: c.2055G>C, p.Gln685His (NM_001411067.1); short protein forms Q685H.
Identifiers: ClinVar variation 2993267 (VCV002993267.3), dbSNP rs1987319345, ClinGen allele CA397979362.
Genomic context (GRCh38, chr17:8,232,366, plus strand): 5'-ACCAGGCCCTTCCTTCCCCCCAGACTCAAGACAACCATGACCCCAAGGAGCCAACCTGGC[C>G]TGCTGCTTCTGGATGAAGCCTGGCATGCTCAGCTCCTTCCAGGAAGGGAAGCTGCTTCTC-3'
Protein context (NP_079375.3, residues 675-695): LSMPGFIQKQ[Gln685His]ARVYVQFFLA